The following is an entry in ClinVar:

NM_000342.4(SLC4A1):c.*897G>A

Gene: SLC4A1 (solute carrier family 4 member 1 (Diego blood group); minus strand). Cytogenetic location: 17q21.31.
Variant type: single nucleotide variant.
Coding change: c.*897G>A on transcript NM_000342.4 (MANE Select); 897 bases downstream of the stop codon, G replaced by A.
Molecular consequence: 3 prime UTR variant.
Genome position (GRCh38, 1-based): chr17:44,249,561, C>T on the plus strand (G>A on the coding strand, the complement: SLC4A1 is on the minus strand). VCF-style: chr17-44249561-C-T. GRCh37 (hg19) VCF-style: chr17-42326929-C-T.
Identifiers: ClinVar variation 323491 (VCV000323491.6), dbSNP rs5030, ClinGen allele CA10639797.

ClinVar aggregate classification (germline): Benign. Review status: criteria provided, multiple submitters, no conflicts (2 of 4 stars). 4 submissions from 2 submitters: Benign (4). Last evaluated 2018-01-13.

Conditions:
Hereditary spherocytosis type 4. Also called: SLC4A1-Related Spherocytosis. Identifiers: Orphanet 822, MedGen C2675212, MONDO:0012981, OMIM 612653.
Autosomal dominant distal renal tubular acidosis (DRTA1). Also called: RTA, CLASSIC TYPE; RTA, DISTAL TYPE, AUTOSOMAL DOMINANT; RTA, GRADIENT TYPE; Renal Tubular Acidosis, Type I; RENAL TUBULAR ACIDOSIS, DISTAL, 1. Identifiers: Orphanet 93608, MedGen CN280572, MONDO:0008368, OMIM 179800.
Hemolytic anemia. Identifiers: MedGen C0002878, MONDO:0003664, HP:0001878.

Allele frequency attached by ClinVar (database versions not stated): gnomAD 0.02004 and 0.02113; TOPMed 0.02353; 1000 Genomes Project 0.02656; 1000 Genomes Project 30x 0.02670; gnomAD exomes 0.02722.
gnomAD v4.1: 4,093 of 185,514 alleles (2.2%); highest among the groups gnomAD compares: East Asian, 5.7%; 84 homozygotes.

Submissions (4):

Illumina Laboratory Services, Illumina
Classification: Benign for Hemolytic anemia. Last evaluated: 2018-01-13. Review status: criteria provided, single submitter. Criteria: ICSL Variant Classification Criteria 13 December 2019. Collection method: clinical testing. Allele origin: germline.
Comment: This variant was observed in the ICSL laboratory as part of a predisposition screen in an ostensibly healthy population. It had not been previously curated by ICSL or reported in the Human Gene Mutation Database (HGMD: prior to June 1st, 2018), and was therefore a candidate for classification through an automated scoring system. Utilizing variant allele frequency, disease prevalence and penetrance estimates, and inheritance mode, an automated score was calculated to assess if this variant is too frequent to cause the disease. Based on the score and internal cut-off values, a variant classified as benign is not then subjected to further curation. The score for this variant resulted in a classification of benign for this disease.

Illumina Laboratory Services, Illumina
Classification: Benign for Autosomal dominant distal renal tubular acidosis. Last evaluated: 2018-01-13. Review status: criteria provided, single submitter. Criteria: ICSL Variant Classification Criteria 13 December 2019. Collection method: clinical testing. Allele origin: germline.
Comment: the same text as in the submission from Illumina Laboratory Services, Illumina above.

Illumina Laboratory Services, Illumina
Classification: Benign for Hereditary spherocytosis type 4. Last evaluated: 2018-01-13. Review status: criteria provided, single submitter. Criteria: ICSL Variant Classification Criteria 13 December 2019. Collection method: clinical testing. Allele origin: germline.
Comment: the same text as in the submission from Illumina Laboratory Services, Illumina above.

Breakthrough Genomics
Classification: Benign. Review status: criteria provided, single submitter. Criteria: ACMG Guidelines, 2015. Collection method: not provided. Allele origin: germline. Inheritance: Autosomal recessive inheritance. Affected: yes.